The following is an entry in ClinVar:

NM_000038.6(APC):c.933G>A (p.Lys311=)

Gene: APC (APC regulator of Wnt signaling pathway; plus strand). Cytogenetic location: 5q22.2.
Variant type: single nucleotide variant.
Coding change: c.933G>A on transcript NM_000038.6 (MANE Select); coding-DNA position 933, G replaced by A.
Protein change: p.Lys311=; no amino-acid change (lysine 311 retained).
Molecular consequence: synonymous variant. On other transcripts: non-coding transcript variant (2).
Genome position (GRCh38, 1-based): chr5:112,815,593, G>A. VCF-style: chr5-112815593-G-A. GRCh37 (hg19) VCF-style: chr5-112151290-G-A.
Other names: c.933G>A, p.Lys311= (NM_001127510.3, NM_001354895.2, NM_001354896.2 and 12 more transcripts); c.879G>A, p.Lys293= (NM_001127511.3); c.963G>A, p.Lys321= (NM_001354897.2, NM_001354902.2, NM_001407446.1); c.858G>A, p.Lys286= (NM_001354898.2, NM_001354904.2, NM_001407451.1); c.849G>A, p.Lys283= (NM_001354899.2, NM_001407452.1, NM_001407467.1 and 1 more transcripts); c.756G>A, p.Lys252= (NM_001354900.2, NM_001354901.2, NM_001354905.2 and 1 more transcripts); c.84G>A, p.Lys28= (NM_001354906.2, NM_001407470.1, NM_001407471.1 and 1 more transcripts).
Identifiers: ClinVar variation 1766629 (VCV001766629.9), dbSNP rs1762431806, ClinGen allele CA445755737.

ClinVar aggregate classification (germline): Pathogenic/Likely pathogenic. Review status: criteria provided, multiple submitters, no conflicts (2 of 4 stars). 3 submissions from 3 submitters: Pathogenic (1); Likely pathogenic (2). Last evaluated 2026-05-08.

Conditions:
Hereditary cancer-predisposing syndrome. Also called: Neoplastic Syndromes, Hereditary; Tumor predisposition; Hereditary Cancer Syndrome; Hereditary neoplastic syndrome. Identifiers: Orphanet 140162, MedGen C0027672, MeSH D009386, MONDO:0015356.
Familial adenomatous polyposis 1 (FAP1). Also called: FAMILIAL ADENOMATOUS POLYPOSIS 1, ATTENUATED; POLYPOSIS, ADENOMATOUS INTESTINAL. Identifiers: MedGen C2713442, MONDO:0021056, OMIM 175100. Disease mechanism: loss of function.

Submissions (3):

Ambry Genetics
Classification: Pathogenic for Hereditary cancer-predisposing syndrome. Last evaluated: 2026-05-08. Review status: criteria provided, single submitter. Criteria: Ambry Variant Classification Scheme 2023. Collection method: clinical testing. Allele origin: germline.
Comment: The c.933G>A pathogenic mutation (also known as p.K311K), located in coding exon 8 of the APC gene, results from a G to A substitution at nucleotide position 933. This change occurs in the last base pair of coding exon 8, which makes it likely to have some effect on normal mRNA splicing. This nucleotide substitution does not change the lysine at codon 311. This variant was reported in individual(s) with features consistent with APC-related familial adenomatous polyposis (FAP) (Ambry internal data; external communications). Two known disease-causing pathogenic variants, c.933+1G>A and c.933+2T>G, are predicted to have a similar splicing impact and have reported in individual(s) with features consistent with APC-related FAP (Wells D et al. Hum. Mutat. 1996; 8(2):193-5; Ambry internal data). This nucleotide position is well conserved in available vertebrate species. In silico splice site analysis predicts that this alteration will weaken the native splice donor site. This variant is considered to be rare based on population cohorts in the Genome Aggregation Database (gnomAD). Based on the supporting evidence, this variant is interpreted as a disease-causing mutation.

Labcorp Genetics (formerly Invitae), Labcorp
Classification: Likely pathogenic for Familial adenomatous polyposis 1. Last evaluated: 2025-11-17. Review status: criteria provided, single submitter. Criteria: Invitae Variant Classification Sherloc (09022015). Collection method: clinical testing. Allele origin: germline.
Comment: This sequence change affects codon 311 of the APC mRNA. It is a 'silent' change, meaning that it does not change the encoded amino acid sequence of the APC protein. RNA analysis indicates that this variant induces altered splicing and may result in an absent or altered protein product. This variant is not present in population databases (gnomAD no frequency). This variant has not been reported in the literature in individuals affected with APC-related conditions. ClinVar contains an entry for this variant (Variation ID: 1766629). Variants that disrupt the consensus splice site are a relatively common cause of aberrant splicing (PMID: 17576681, 9536098). Studies have shown that this variant results in insertion of part of intron 9, and produces a non-functional protein and/or introduces a premature termination codon (internal data). This variant disrupts the c.933G nucleotide in the APC gene. Other variant(s) that disrupt this nucleotide have been determined to be pathogenic (internal data). This suggests that this nucleotide is clinically significant, and that variants that disrupt this position are likely to be disease-causing. In summary, the currently available evidence indicates that the variant is pathogenic, but additional data are needed to prove that conclusively. Therefore, this variant has been classified as Likely Pathogenic.

Molecular Pathology, Peter Maccallum Cancer Centre
Classification: Likely pathogenic for Familial adenomatous polyposis 1. Last evaluated: 2025-05-18. Review status: criteria provided, single submitter. Criteria: ACMG Guidelines, 2015. Collection method: clinical testing. Allele origin: germline. Inheritance: Autosomal dominant inheritance.

Literature cited by the submitters: PubMed 17576681 (cited by Labcorp Genetics (formerly Invitae), Labcorp); PubMed 9536098 (cited by Labcorp Genetics (formerly Invitae), Labcorp).